The following is an entry in ClinVar:

NM_001267550.2(TTN):c.104308G>A (p.Asp34770Asn)

Genes: TTN-AS1 (TTN antisense RNA 1; plus strand), TTN (titin; minus strand). Cytogenetic location: 2q31.2.
Variant type: single nucleotide variant.
Coding change: c.104308G>A on transcript NM_001267550.2 (MANE Select); coding-DNA position 104308, G replaced by A.
Protein change: p.Asp34770Asn; replaces aspartic acid 34770 with asparagine.
Molecular consequence: missense variant.
Genome position (GRCh38, 1-based): chr2:178,532,307, C>T on the plus strand (G>A on the coding strand, the complement: TTN is on the minus strand). VCF-style: chr2-178532307-C-T. GRCh37 (hg19) VCF-style: chr2-179397034-C-T.
Other names: c.99385G>A, p.Asp33129Asn (NM_001256850.1); c.77113G>A, p.Asp25705Asn (NM_003319.4); c.96604G>A, p.Asp32202Asn (NM_133378.4); c.77488G>A, p.Asp25830Asn (NM_133432.3); c.77689G>A, p.Asp25897Asn (NM_133437.4); short protein forms D25830N, D32202N, D33129N, D34770N, D25705N, D25897N.
Identifiers: ClinVar variation 1402560 (VCV001402560.6), dbSNP rs1689483910, ClinGen allele CA349412022.

ClinVar aggregate classification (germline): Uncertain significance (1 of 4 stars; one submission).

Conditions:
Autosomal recessive limb-girdle muscular dystrophy type 2J (LGMDR10). Also called: MUSCULAR DYSTROPHY, LIMB-GIRDLE, AUTOSOMAL RECESSIVE 10; Limb-girdle muscular dystrophy, type 2J. Identifiers: Orphanet 140922, MedGen C1837342, MONDO:0012127, OMIM 608807.
Dilated cardiomyopathy 1G (CMD1G). Identifiers: Orphanet 154, MedGen C1858763, MONDO:0011400, OMIM 604145.

Allele frequency attached by ClinVar (database versions not stated): gnomAD exomes below 0.00001; gnomAD 0.00001.
gnomAD v4.1: 4 of 1,613,900 alleles (0.00025%); highest among the groups gnomAD compares: Non-Finnish European, 0.00034%; no homozygotes.

Submission:

Labcorp Genetics (formerly Invitae), Labcorp
Classification: Uncertain significance for Dilated cardiomyopathy 1G; Autosomal recessive limb-girdle muscular dystrophy type 2J. Last evaluated: 2025-12-08. Review status: criteria provided, single submitter. Criteria: Invitae Variant Classification Sherloc (09022015). Collection method: clinical testing. Allele origin: germline.
Comment: This sequence change replaces aspartic acid, which is acidic and polar, with asparagine, which is neutral and polar, at codon 34770 of the TTN protein (p.Asp34770Asn). This variant is not present in population databases (gnomAD no frequency). This variant has not been reported in the literature in individuals affected with TTN-related conditions. ClinVar contains an entry for this variant (Variation ID: 1402560). Experimental studies and prediction algorithms are not available or were not evaluated, and the functional significance of this variant is currently unknown. This variant is located in the M band of TTN (PMID: 25589632). Non-truncating variants in this region may be relevant for neuromuscular disorders, but have not been definitively shown to cause cardiomyopathy (PMID: 23975875). In summary, the available evidence is currently insufficient to determine the role of this variant in disease. Therefore, it has been classified as a Variant of Uncertain Significance.

Literature cited by the submitters: PubMed 25589632; PubMed 23975875.